The following continues an entry in ClinVar:

NM_000179.3(MSH6):c.3425C>T (p.Thr1142Met)

Gene: MSH6. ClinVar aggregate classification (germline): Conflicting classifications of pathogenicity. Uncertain significance (15); Likely benign (2).

Submissions 10 to 18 of 18:

Color Diagnostics, LLC DBA Color Health
Classification: Uncertain significance for Hereditary cancer-predisposing syndrome. Last evaluated: 2024-04-03. Review status: criteria provided, single submitter. Criteria: ACMG Guidelines, 2015. Collection method: clinical testing. Allele origin: germline.
Comment: This missense variant replaces threonine with methionine at codon 1142 of the MSH6 protein. Computational prediction suggests that this variant may have deleterious impact on protein structure and function. A functional assay to detect DNA mismatch repair (MMR) deficiency in MSH6 deficient mouse embryonic stem cells found that the variant protein is likely MMR proficient (PMID: 28531214). This variant has been reported in individuals affected with Lynch syndrome (PMID: 19250818, 23523604), and in individuals affected with breast and/or ovarian cancer (PMID: 24549055, 32885271, 33471991). This variant has been identified in 7/282732 chromosomes in the general population by the Genome Aggregation Database (gnomAD). The available evidence is insufficient to determine the role of this variant in disease conclusively. Therefore, this variant is classified as a Variant of Uncertain Significance.

Baylor Genetics
Classification: Uncertain significance for Endometrial carcinoma. Last evaluated: 2023-10-03. Review status: criteria provided, single submitter. Criteria: ACMG Guidelines, 2015. Collection method: clinical testing. Allele origin: unknown.

Blueprint Genetics
Classification: Uncertain significance. Last evaluated: 2023-06-29. Review status: criteria provided, single submitter. Criteria: ACMG Guidelines, 2015. Collection method: clinical testing. Allele origin: germline.

Revvity Omics, Revvity
Classification: Uncertain significance. Last evaluated: 2022-12-05. Review status: criteria provided, single submitter. Criteria: ACMG Guidelines, 2015. Collection method: clinical testing. Allele origin: germline.

MGZ Medical Genetics Center
Classification: Uncertain significance for Lynch syndrome 5. Last evaluated: 2022-06-30. Review status: criteria provided, single submitter. Criteria: ACMG Guidelines, 2015. Collection method: clinical testing. Allele origin: germline. Affected: yes. Observed: 1 variant allele.
Comment: ACMG criteria applied: PM2_SUP, PP3

Institute for Clinical Genetics, University Hospital TU Dresden, University Hospital TU Dresden
Classification: Uncertain significance. Last evaluated: 2021-11-03. Review status: criteria provided, single submitter. Criteria: ACMG Guidelines, 2015. Collection method: clinical testing. Allele origin: germline.

Sema4
Classification: Uncertain significance for Hereditary cancer-predisposing syndrome. Last evaluated: 2021-06-23. Review status: criteria provided, single submitter. Criteria: Sema4 Curation Guidelines. Collection method: curation. Allele origin: germline.
Comment: The MSH6 c.3425C>T (p.T1142M) variant has been reported in at least one individual with colon polyps (PMID: 23523604). The variant was also reported in one individual with a personal/family history of breast/ovarian cancer (PMID: 24549055). It was also reported in 3/60466 breast cancer cases and 4/53461 healthy controls by a large case-control study (PMID: 33471991). A functional study demonstrated that this variant results in normal MMR function in mouse embryonic stem cells (PMID: 28531214). It was observed in 1/24936 chromosomes of the African/African American subpopulation according to the Genome Aggregation Database (PMID: 32461654). The variant has been reported in ClinVar (Variation ID 89381). The evidence is insufficient to meet ACMG/AMP criteria for classifying the variant as benign or pathogenic. Thus, the clinical significance of this variant is currently uncertain.

Laboratory for Molecular Medicine, Mass General Brigham Personalized Medicine
Classification: Uncertain significance. Last evaluated: 2016-06-16. Review status: criteria provided, single submitter. Criteria: LMM Criteria. Collection method: clinical testing. Allele origin: germline.
Comment: Variant identified in a genome or exome case(s) and assessed due to predicted null impact of the variant or pathogenic assertions in the literature or databases. Disclaimer: This variant has not undergone full assessment. The following are preliminary notes: ClinVar: 4 VUS (including expert panel - no new evidence since expert classification)

Department of Pathology and Laboratory Medicine, Sinai Health System
Classification: Uncertain significance for Malignant tumor of breast. Review status: no assertion criteria provided. Collection method: clinical testing. Allele origin: unknown. Affected: yes. Study: The Canadian Open Genetics Repository (COGR). Not counted in ClinVar's aggregate classification.
Comment: The MSH6 p.Thr1142Met variant was identified in 3 of 1454 proband chromosomes (frequency: 0.002) from individuals or families with breast cancer/ovarian cancer, Lynch Syndrome, and polyps (Castera 2014, Perez-Cabornero 2009, Perez-Cabornero 2013). The variant was also identified in the following databases: dbSNP (ID: rs267608089) as "With Uncertain significance allele", ClinVar (5x, uncertain significance), Clinvitae (3x, uncertain significance), Cosmic (2x, confirmed somatic, in a carcinoma of the liver), Insight Colon Cancer Gene Variant Database (1x, uncertain significance), Mismatch Repair Genes Variant Database, and Insight Hereditary Tumors Database. The variant was not identified in MutDB, UMD-LSDB, or the Zhejiang Colon Cancer Database. The variant was identified in control databases in 7 of 277124 chromosomes at a frequency of 0.00003 (Genome Aggregation Database Feb 27, 2017). A functional study used an oligonucleotide directed mutagenesis screen in mouse embryonic stem cells to determine pathogenicity for MSH6 variants (Houlleberghs 2017). The c.3425C>T variant was classified as "not pathogenic" by this method. The p.Thr1142 residue is conserved across mammals and other organisms, and computational analyses (PolyPhen-2, SIFT, AlignGVGD, BLOSUM, MutationTaster) suggest that the variant may impact the protein; however, this information is not predictive enough to assume pathogenicity. The variant occurs outside of the splicing consensus sequence and 1 of 5 in silico or computational prediction software programs (SpliceSiteFinder, MaxEntScan, NNSPLICE, GeneSplicer, HumanSpliceFinder) predict a greater than 10% difference in splicing; this is also not very predictive of pathogenicity. In summary, based on the above information the clinical significance of this variant cannot be determined with certainty at this time. This variant is classified as a variant of uncertain significance.

Literature cited by the submitters: PubMed 23523604 (cited by 7 submitters); PubMed 28531214 (cited by 7 submitters); PubMed 24549055 (cited by 6 submitters); PubMed 32885271 (cited by 4 submitters); PubMed 37937776 (cited by Women's Health and Genetics/Laboratory Corporation of America, LabCorp); PubMed 38327772 (cited by Women's Health and Genetics/Laboratory Corporation of America, LabCorp); PubMed 33471991 (cited by 4 submitters); PubMed 23621914 (cited by Quest Diagnostics Nichols Institute San Juan Capistrano); PubMed 19250818 (cited by 4 submitters); PubMed 27363726 (cited by Myriad Genetics, Inc.).